The following is an entry in ClinVar:

ClinVar aggregate classification (germline): Likely pathogenic (1 of 4 stars; one submission).

Conditions:
Dilated cardiomyopathy 1G (CMD1G). Identifiers: Orphanet 154, MedGen C1858763, MONDO:0011400, OMIM 604145.
Autosomal recessive limb-girdle muscular dystrophy type 2J (LGMDR10). Also called: Limb-girdle muscular dystrophy, type 2J; MUSCULAR DYSTROPHY, LIMB-GIRDLE, AUTOSOMAL RECESSIVE 10. Identifiers: Orphanet 140922, MedGen C1837342, MONDO:0012127, OMIM 608807.

Submission:

Labcorp Genetics (formerly Invitae), Labcorp
Classification: Likely pathogenic for Dilated cardiomyopathy 1G; Autosomal recessive limb-girdle muscular dystrophy type 2J. Last evaluated: 2024-02-01. Review status: criteria provided, single submitter. Criteria: Invitae Variant Classification Sherloc (09022015). Collection method: clinical testing. Allele origin: germline.
Comment: This sequence change creates a premature translational stop signal (p.Thr24387Asnfs*11) in the TTN gene. While this is not anticipated to result in nonsense mediated decay, it is expected to create a truncated TTN protein. This variant is not present in population databases (gnomAD no frequency). This variant has not been reported in the literature in individuals affected with TTN-related conditions. ClinVar contains an entry for this variant (Variation ID: 1470727). This variant is located in the A band of TTN (PMID: 25589632). Truncating variants in this region are significantly overrepresented in patients affected with dilated cardiomyopathy (PMID: 25589632). Truncating variants in this region have also been reported in individuals affected with autosomal recessive centronuclear myopathy (PMID: 23975875). In summary, the currently available evidence indicates that the variant is pathogenic, but additional data are needed to prove that conclusively. Therefore, this variant has been classified as Likely Pathogenic.

Literature cited by the submitters: PubMed 25589632; PubMed 23975875.

NM_001267550.2(TTN):c.73156_73159dup (p.Thr24387fs)

Genes: TTN-AS1 (TTN antisense RNA 1; plus strand), TTN (titin; minus strand). Cytogenetic location: 2q31.2.
Variant type: Duplication.
Coding change: c.73156_73159dup on transcript NM_001267550.2 (MANE Select); coding-DNA positions 73156 to 73159, 4 bases duplicated (ATCA; older notation c.73156_73159dupATCA).
Protein change: p.Thr24387fs; shifts the reading frame from threonine 24387.
Molecular consequence: frameshift variant.
Genome position (GRCh38, 1-based): chr2:178,572,973-178,572,976, TGAT duplicated on the plus strand (ATCA on the coding strand, the reverse complement: TTN is on the minus strand). VCF-style (leftmost placement, unchanged base first): chr2-178572972-G-GTGAT. GRCh37 (hg19) VCF-style: chr2-179437699-G-GTGAT.
Other names: c.68233_68236dup, p.Thr22746fs (NM_001256850.1); c.45961_45964dup, p.Thr15322fs (NM_003319.4); c.65452_65455dup, p.Thr21819fs (NM_133378.4); c.46336_46339dup, p.Thr15447fs (NM_133432.3); c.46537_46540dup, p.Thr15514fs (NM_133437.4); short protein forms T15322fs, T21819fs, T22746fs, T15514fs, T15447fs, T24387fs.
Identifiers: ClinVar variation 1470727 (VCV001470727.8), dbSNP rs2154170500, ClinGen allele CA2573134166.